The following is an entry in ClinVar:

ClinVar aggregate classification (germline): Uncertain significance (1 of 4 stars; one submission).

Allele frequency attached by ClinVar (database versions not stated): gnomAD exomes below 0.00001.

Submission:

Labcorp Genetics (formerly Invitae), Labcorp
Classification: Uncertain significance. Last evaluated: 2025-01-14. Review status: criteria provided, single submitter. Criteria: Invitae Variant Classification Sherloc (09022015). Collection method: clinical testing. Allele origin: germline.
Comment: This sequence change replaces arginine, which is basic and polar, with tryptophan, which is neutral and slightly polar, at codon 71 of the FBLN5 protein (p.Arg71Trp). This variant is not present in population databases (gnomAD no frequency). This variant has not been reported in the literature in individuals affected with FBLN5-related conditions. ClinVar contains an entry for this variant (Variation ID: 1411256). An algorithm developed to predict the effect of missense changes on protein structure and function (PolyPhen-2) suggests that this variant is likely to be disruptive. In summary, the available evidence is currently insufficient to determine the role of this variant in disease. Therefore, it has been classified as a Variant of Uncertain Significance.

NM_006329.4(FBLN5):c.211C>T (p.Arg71Trp)

Gene: FBLN5 (fibulin 5; minus strand). Cytogenetic location: 14q32.12.
Variant type: single nucleotide variant.
Coding change: c.211C>T on transcript NM_006329.4 (MANE Select); coding-DNA position 211, C replaced by T.
Protein change: p.Arg71Trp; replaces arginine 71 with tryptophan.
Molecular consequence: missense variant.
Genome position (GRCh38, 1-based): chr14:91,937,115, G>A on the plus strand (C>T on the coding strand, the complement: FBLN5 is on the minus strand). VCF-style: chr14-91937115-G-A. GRCh37 (hg19) VCF-style: chr14-92403459-G-A.
Other names: c.334C>T, p.Arg112Trp (NM_001384158.1); c.262C>T, p.Arg88Trp (NM_001384159.1); c.211C>T, p.Arg71Trp (NM_001384160.1); c.43C>T, p.Arg15Trp (NM_001384161.1, NM_001384162.1); short protein forms R71W, R88W, R112W, R15W.
Identifiers: ClinVar variation 1411256 (VCV001411256.8), dbSNP rs2140047841, ClinGen allele CA390639940.
Genomic context (GRCh38, chr14:91,937,115, plus strand): 5'-GACCTGAGTAGGGGGTCGAGTAGGGGTTCGAGTAGGGCCCTCGATACACAGGGTTTGTCC[G>A]GGGAATGCATAAATACCCGCCATTTTGGTTAACACACATCATGTCTCCTCGGCAGGCCTC-3'
Protein context (NP_006320.2, residues 61-81): NQNGGYLCIP[Arg71Trp]TNPVYRGPYS